The following is an entry in ClinVar:

ClinVar aggregate classification (germline): Uncertain significance (1 of 4 stars; one submission).

Allele frequency attached by ClinVar (database versions not stated): gnomAD 0.00001; gnomAD exomes 0.00001; TOPMed 0.00001.
gnomAD v4.1: 10 of 1,613,722 alleles (0.00062%); highest among the groups gnomAD compares: East Asian, 0.0022%; no homozygotes.

Submission:

Labcorp Genetics (formerly Invitae), Labcorp
Classification: Uncertain significance. Last evaluated: 2022-08-22. Review status: criteria provided, single submitter. Criteria: Invitae Variant Classification Sherloc (09022015). Collection method: clinical testing. Allele origin: germline.
Comment: In summary, the available evidence is currently insufficient to determine the role of this variant in disease. Therefore, it has been classified as a Variant of Uncertain Significance. Algorithms developed to predict the effect of missense changes on protein structure and function output the following: SIFT: "Deleterious"; PolyPhen-2: "Benign"; Align-GVGD: "Class C0". The leucine amino acid residue is found in multiple mammalian species, which suggests that this missense change does not adversely affect protein function. This variant has not been reported in the literature in individuals affected with GJB3-related conditions. This variant is present in population databases (no rsID available, gnomAD 0.0009%). This sequence change replaces serine, which is neutral and polar, with leucine, which is neutral and non-polar, at codon 230 of the GJB3 protein (p.Ser230Leu).

NM_024009.3(GJB3):c.689C>T (p.Ser230Leu)

Gene: GJB3 (gap junction protein beta 3; plus strand). Cytogenetic location: 1p34.3.
Variant type: single nucleotide variant.
Coding change: c.689C>T on transcript NM_024009.3 (MANE Select); coding-DNA position 689, C replaced by T.
Protein change: p.Ser230Leu; replaces serine 230 with leucine.
Molecular consequence: missense variant.
Genome position (GRCh38, 1-based): chr1:34,785,451, C>T. VCF-style: chr1-34785451-C-T. GRCh37 (hg19) VCF-style: chr1-35251052-C-T.
Other names: c.689C>T, p.Ser230Leu (NM_001005752.2); short protein forms S230L.
Identifiers: ClinVar variation 1953274 (VCV001953274.5), dbSNP rs922956306, ClinGen allele CA20572028.